The following is an entry in ClinVar:

NM_019892.6(INPP5E):c.1401C>T (p.Thr467=)

Gene: INPP5E (inositol polyphosphate-5-phosphatase E; minus strand). Cytogenetic location: 9q34.3.
Variant type: single nucleotide variant.
Coding change: c.1401C>T on transcript NM_019892.6 (MANE Select); coding-DNA position 1401, C replaced by T.
Protein change: p.Thr467=; no amino-acid change (threonine 467 retained).
Molecular consequence: synonymous variant.
Genome position (GRCh38, 1-based): chr9:136,431,972, G>A on the plus strand (C>T on the coding strand, the complement: INPP5E is on the minus strand). VCF-style: chr9-136431972-G-A. GRCh37 (hg19) VCF-style: chr9-139326424-G-A.
Other names: c.1398C>T, p.Thr466= (NM_001318502.2); c.1401C>T (NM_019892.5).
Identifiers: ClinVar variation 1454190 (VCV001454190.9), dbSNP rs1835718113, ClinGen allele CA467720816.

ClinVar aggregate classification (germline): Likely benign. Review status: criteria provided, multiple submitters, no conflicts (2 of 4 stars). 2 submissions from 2 submitters: Likely benign (2). Last evaluated 2025-11-13.

Conditions:
INPP5E-related disorder. Also called: INPP5E-related condition.
Joubert syndrome. Also called: JOUBERT-BOLTSHAUSER SYNDROME; Familial aplasia of the vermis. Identifiers: Orphanet 475, MedGen C5979921, MONDO:0018772.

Allele frequency attached by ClinVar (database versions not stated): gnomAD exomes below 0.00001; TOPMed 0.00001.
gnomAD v4.1: 2 of 1,612,424 alleles (0.00012%); highest among the groups gnomAD compares: African/African-American, 0.0027%; no homozygotes.

Submissions (2):

PreventionGenetics, part of Exact Sciences
Classification: Likely benign for INPP5E-related condition. Last evaluated: 2025-11-13. Review status: criteria provided, single submitter. Criteria: ACMG Guidelines, 2015. Collection method: clinical testing. Allele origin: germline.
Comment: This variant is classified as likely benign based on ACMG/AMP sequence variant interpretation guidelines (Richards et al. 2015 PMID: 25741868, with internal and published modifications).

Labcorp Genetics (formerly Invitae), Labcorp
Classification: Likely benign for Joubert syndrome. Last evaluated: 2024-12-23. Review status: criteria provided, single submitter. Criteria: Invitae Variant Classification Sherloc (09022015). Collection method: clinical testing. Allele origin: germline.